The following is an entry in ClinVar:

NM_000535.7(PMS2):c.1970_2006+9dup

Gene: PMS2 (PMS1 homolog 2, mismatch repair system component; minus strand). Cytogenetic location: 7p22.1.
Variant type: Duplication.
Coding change: c.1970_2006+9dup on transcript NM_000535.7 (MANE Select); coding-DNA position 1970 through 9 bases into the intron after coding-DNA position 2006, 46 bases duplicated.
Molecular consequence: splice donor variant.
Genome position (GRCh38, 1-based): chr7:5,986,750-5,986,795, 46 bases duplicated. GRCh37 (hg19): chr7:6,026,381-6,026,426.
Other names: c.1652_1688+9dup (NM_001322008.2, NM_001322007.2); c.1409_1445+9dup (NM_001322010.2); c.1565_1601+9dup (NM_001322004.2, NM_001322003.2, NM_001322009.2 and 1 more transcripts); c.1397_1433+9dup (NM_001322013.2); c.1037_1073+9dup (NM_001322012.2, NM_001322011.2); c.1661_1697+9dup (NM_001322015.2); c.1814_1850+9dup (NM_001322006.2); c.1970_2006+9dup (NM_001322014.2).
Identifiers: ClinVar variation 1783602 (VCV001783602.3), dbSNP rs2535696942, ClinGen allele CA2580076855.

ClinVar aggregate classification (germline): Uncertain significance (1 of 4 stars; one submission).

Conditions:
Hereditary cancer-predisposing syndrome. Also called: Tumor predisposition; Hereditary Cancer Syndrome; Hereditary neoplastic syndrome; Neoplastic Syndromes, Hereditary. Identifiers: Orphanet 140162, MedGen C0027672, MeSH D009386, MONDO:0015356.

Submission:

Ambry Genetics
Classification: Uncertain significance for Hereditary cancer-predisposing syndrome. Last evaluated: 2026-02-17. Review status: criteria provided, single submitter. Criteria: Ambry Variant Classification Scheme 2023. Collection method: clinical testing. Allele origin: germline.
Comment: The c.1970_2006+9dup46 variant results from a duplication of 46 nucleotides spanning the last 37 nucleotides of coding exon 11 into the first 9 nucleotides of intron 11 in the PMS2 gene and includes the canonical splice donor site. The canonical splice donor site is well conserved in available vertebrate species. In silico splice site analysis predicts that this alteration may result in the creation or strengthening of a novel splice donor site; however, direct evidence is unavailable. Since supporting evidence is limited at this time, the clinical significance of this alteration remains unclear.